The following is an entry in ClinVar:

ClinVar aggregate classification (germline): Likely benign (1 of 4 stars; one submission).

gnomAD v4.1: 296 of 1,611,076 alleles (0.018%); highest among the groups gnomAD compares: African/African-American, 0.35%; no homozygotes.

Submission:

CeGaT Center for Human Genetics Tuebingen
Classification: Likely benign. Last evaluated: 2026-04-01. Review status: criteria provided, single submitter. Criteria: CeGaT Center For Human Genetics Tuebingen Variant Classification Criteria Version 2. Collection method: clinical testing. Allele origin: germline. Affected: yes. Observed: 1 variant allele.
Comment: PTPN2: BP4, BP7

NM_002828.4(PTPN2):c.498T>C (p.Ser166=)

Gene: PTPN2 (protein tyrosine phosphatase non-receptor type 2; minus strand). Cytogenetic location: 18p11.21.
Variant type: single nucleotide variant.
Coding change: c.498T>C on transcript NM_002828.4 (MANE Select); coding-DNA position 498, T replaced by C.
Protein change: p.Ser166=; no amino-acid change (serine 166 retained).
Molecular consequence: synonymous variant.
Genome position (GRCh38, 1-based): chr18:12,817,363, A>G on the plus strand (T>C on the coding strand, the complement: PTPN2 is on the minus strand). VCF-style: chr18-12817363-A-G. GRCh37 (hg19) VCF-style: chr18-12817362-A-G.
Other names: c.567T>C, p.Ser189= (NM_001207013.2); c.411T>C, p.Ser137= (NM_001308287.1); c.498T>C, p.Ser166= (NM_080422.3, NM_080423.3).
Identifiers: ClinVar variation 4872846 (VCV004872846.2).